The following is an entry in ClinVar:

ClinVar aggregate classification (germline): Uncertain significance (1 of 4 stars; one submission).

gnomAD v4.1: 1 of 1,612,250 alleles (0.000062%); highest among the groups gnomAD compares: African/African-American, 0.0013%; no homozygotes.

Submission:

Ambry Genetics
Classification: Uncertain significance. Last evaluated: 2026-08-05. Review status: criteria provided, single submitter. Criteria: Ambry Variant Classification Scheme 2023. Collection method: clinical testing. Allele origin: germline.
Comment: The c.925+5C>T intronic variant results from a C to T substitution 5 nucleotides after coding exon 6 in the ATRIP gene. This nucleotide position is not well conserved in available vertebrate species. In silico splice site analysis predicts that this alteration will not have any significant effect on splicing. The evidence for this gene-disease relationship is limited; therefore, the clinical significance of this variant is unclear.

NM_130384.3(ATRIP):c.925+5C>T

Genes: ATRIP (ATR interacting protein; plus strand), ATRIP-TREX1 (ATRIP-TREX1 readthrough; plus strand). Cytogenetic location: 3p21.31.
Variant type: single nucleotide variant.
Coding change: c.925+5C>T on transcript NM_130384.3 (MANE Select); 5 bases into the intron after coding-DNA position 925, C replaced by T.
Molecular consequence: intron variant.
Genome position (GRCh38, 1-based): chr3:48,459,459, C>T. VCF-style: chr3-48459459-C-T. GRCh37 (hg19) VCF-style: chr3-48500858-C-T.
Other names: c.925+5C>T (NM_032166.4); c.544+5C>T (NM_001271022.2); c.646+5C>T (NM_001271023.2).
Identifiers: ClinVar variation 5032401 (VCV005032401.1).